The following is an entry in ClinVar:

NM_006231.4(POLE):c.433T>A (p.Leu145Met)

Gene: POLE (DNA polymerase epsilon, catalytic subunit; minus strand). Cytogenetic location: 12q24.33.
Variant type: single nucleotide variant.
Coding change: c.433T>A on transcript NM_006231.4 (MANE Select); coding-DNA position 433, T replaced by A.
Protein change: p.Leu145Met; replaces leucine 145 with methionine.
Molecular consequence: missense variant.
Genome position (GRCh38, 1-based): chr12:132,679,642, A>T on the plus strand (T>A on the coding strand, the complement: POLE is on the minus strand). VCF-style: chr12-132679642-A-T. GRCh37 (hg19) VCF-style: chr12-133256228-A-T.
Other names: short protein forms L145M.
Identifiers: ClinVar variation 3935759 (VCV003935759.1).

ClinVar aggregate classification (germline): Uncertain significance (1 of 4 stars; one submission).

Conditions:
Hereditary cancer-predisposing syndrome. Also called: Tumor predisposition; Hereditary neoplastic syndrome; Hereditary Cancer Syndrome; Neoplastic Syndromes, Hereditary. Identifiers: Orphanet 140162, MedGen C0027672, MeSH D009386, MONDO:0015356.

gnomAD v4.1: 1 of 1,610,032 alleles (0.000062%); highest among the groups gnomAD compares: South Asian, 0.0011%; no homozygotes.

Submission:

Ambry Genetics
Classification: Uncertain significance for Hereditary cancer-predisposing syndrome. Last evaluated: 2025-05-06. Review status: criteria provided, single submitter. Criteria: Ambry Variant Classification Scheme 2023. Collection method: clinical testing. Allele origin: germline.
Comment: The p.L145M variant (also known as c.433T>A), located in coding exon 6 of the POLE gene, results from a T to A substitution at nucleotide position 433. The leucine at codon 145 is replaced by methionine, an amino acid with highly similar properties. This amino acid position is conserved. In addition, this alteration is predicted to be tolerated by in silico analysis. Based on the available evidence, the clinical significance of this variant remains unclear.